The following is an entry in ClinVar:

NM_032634.4(PIGO):c.2773C>T (p.Pro925Ser)

Gene: PIGO (phosphatidylinositol glycan anchor biosynthesis class O; minus strand). Cytogenetic location: 9p13.3.
Variant type: single nucleotide variant.
Coding change: c.2773C>T on transcript NM_032634.4 (MANE Select); coding-DNA position 2773, C replaced by T.
Protein change: p.Pro925Ser; replaces proline 925 with serine.
Molecular consequence: missense variant.
Genome position (GRCh38, 1-based): chr9:35,090,547, G>A on the plus strand (C>T on the coding strand, the complement: PIGO is on the minus strand). VCF-style: chr9-35090547-G-A. GRCh37 (hg19) VCF-style: chr9-35090544-G-A.
Other names: c.1522C>T, p.Pro508Ser (NM_001201484.2, NM_152850.4); short protein forms P508S, P925S.
Identifiers: ClinVar variation 836775 (VCV000836775.7), dbSNP rs767750872, ClinGen allele CA5040335.
Genomic context (GRCh38, chr9:35,090,547, plus strand): 5'-CAAAGGTGTTGGCTCCCACTAGCAAAGCAGGCAGCCAAGTACAGGAGCCATGACCCTCTG[G>A]GAATCCCACGAAGGCTGCATGCCAATGGATGGCTGGAAAGACAGGCTGGTGGCCTGTGGA-3'
Protein context (NP_116023.2, residues 915-935): IHWHAAFVGF[Pro925Ser]EGHGSCTWLP

ClinVar aggregate classification (germline): Uncertain significance (1 of 4 stars; one submission).

Conditions:
Hyperphosphatasia with impaired intellectual development syndrome 2. Also called: Hyperphosphatasia with intellectual disability syndrome 2; GLYCOSYLPHOSPHATIDYLINOSITOL BIOSYNTHESIS DEFECT 6. Identifiers: Orphanet 247262, MedGen C3553637, MONDO:0013882, OMIM 614749.

Allele frequency attached by ClinVar (database versions not stated): gnomAD exomes 0.00001 and 0.00002; ExAC 0.00002; TOPMed below 0.00001; gnomAD 0.00001.
gnomAD v4.1: 6 of 1,614,104 alleles (0.00037%); highest among the groups gnomAD compares: Admixed American, 0.01%; no homozygotes.

Submission:

Labcorp Genetics (formerly Invitae), Labcorp
Classification: Uncertain significance for Hyperphosphatasia with impaired intellectual development syndrome 2. Last evaluated: 2021-08-27. Review status: criteria provided, single submitter. Criteria: Invitae Variant Classification Sherloc (09022015). Collection method: clinical testing. Allele origin: germline.
Comment: This sequence change replaces proline with serine at codon 925 of the PIGO protein (p.Pro925Ser). The proline residue is moderately conserved and there is a moderate physicochemical difference between proline and serine. This variant is present in population databases (rs767750872, ExAC 0.02%). This variant has not been reported in the literature in individuals affected with PIGO-related conditions. Algorithms developed to predict the effect of missense changes on protein structure and function output the following: SIFT: "Tolerated"; PolyPhen-2: "Benign"; Align-GVGD: "Class C0". The serine amino acid residue is found in multiple mammalian species, which suggests that this missense change does not adversely affect protein function. In summary, the available evidence is currently insufficient to determine the role of this variant in disease. Therefore, it has been classified as a Variant of Uncertain Significance.